The following is an entry in ClinVar:

NM_002474.3(MYH11):c.4296G>A (p.Leu1432=)

Genes: MYH11 (myosin heavy chain 11; minus strand), NDE1 (nudE neurodevelopment protein 1; plus strand). Cytogenetic location: 16p13.11.
Variant type: single nucleotide variant.
Coding change: c.4296G>A on transcript NM_002474.3 (MANE Select); coding-DNA position 4296, G replaced by A.
Protein change: p.Leu1432=; no amino-acid change (leucine 1432 retained).
Molecular consequence: synonymous variant.
Genome position (GRCh38, 1-based): chr16:15,724,230, C>T on the plus strand (G>A on the coding strand, the complement: MYH11 is on the minus strand). VCF-style: chr16-15724230-C-T. GRCh37 (hg19) VCF-style: chr16-15818087-C-T.
Other names: c.4317G>A, p.Leu1439= (NM_001040113.2, NM_001040114.2); c.4296G>A, p.Leu1432= (NM_022844.3); c.987C>T, p.Thr329= (NM_001143979.2, NM_017668.3); c.987C>T (NM_001143979.1).
Identifiers: ClinVar variation 669288 (VCV000669288.17), dbSNP rs373591888, ClinGen allele CA7921719.

ClinVar aggregate classification (germline): Likely benign. Review status: criteria provided, multiple submitters, no conflicts (2 of 4 stars). 7 submissions from 7 submitters: Likely benign (6). 1 of the submissions does not count toward it. Last evaluated 2025-09-12.

Conditions:
Aortic aneurysm, familial thoracic 4 (AAT4). Also called: AORTIC ANEURYSM/AORTIC DISSECTION AND PATENT DUCTUS ARTERIOSUS. Identifiers: MedGen C1851504, MONDO:0007568, OMIM 132900.
Familial thoracic aortic aneurysm and aortic dissection (TAAD). Also called: Thoracic aortic aneurysms and dissections. Identifiers: Orphanet 91387, MedGen C4707243, MONDO:0019625.
NDE1-related disorder. Also called: NDE1-related condition; NDE1-Related Disorders.

Allele frequency attached by ClinVar (database versions not stated): gnomAD 0.00001 and 0.00002; ExAC 0.00002; gnomAD exomes 0.00002 and 0.00005; TOPMed 0.00003; ESP Exome Variant Server 0.00008.
gnomAD v4.1: 69 of 1,614,082 alleles (0.0043%); highest among the groups gnomAD compares: South Asian, 0.0099%; no homozygotes.

Submissions (7):

Labcorp Genetics (formerly Invitae), Labcorp
Classification: Likely benign for Aortic aneurysm, familial thoracic 4. Last evaluated: 2025-09-12. Review status: criteria provided, single submitter. Criteria: Invitae Variant Classification Sherloc (09022015). Collection method: clinical testing. Allele origin: germline.

All of Us Research Program, National Institutes of Health
Classification: Likely benign for Familial thoracic aortic aneurysm and aortic dissection. Last evaluated: 2023-12-13. Review status: criteria provided, single submitter. Criteria: ACMG Guidelines, 2015. Collection method: clinical testing. Allele origin: germline. Inheritance: Autosomal dominant inheritance. Observed: 4 variant alleles, 4 heterozygotes.
Comment: This study involves interpretation of variants in research participants for the purpose of population health screening. Participant phenotype was not available at the time of variant classification. Additional details can be found in publication PMID: 35346344, PMCID: PMC8962531

Blueprint Genetics
Classification: Likely benign. Last evaluated: 2023-08-16. Review status: criteria provided, single submitter. Criteria: ACMG Guidelines, 2015. Collection method: clinical testing. Allele origin: germline.

GeneDx
Classification: Likely benign. Last evaluated: 2021-05-06. Review status: criteria provided, single submitter. Criteria: GeneDx Variant Classification Process June 2021. Collection method: clinical testing. Allele origin: germline. Affected: yes.

Color Diagnostics, LLC DBA Color Health
Classification: Likely benign for Familial thoracic aortic aneurysm and aortic dissection. Last evaluated: 2020-09-14. Review status: criteria provided, single submitter. Criteria: ACMG Guidelines, 2015. Collection method: clinical testing. Allele origin: germline.

Ambry Genetics
Classification: Likely benign for Familial thoracic aortic aneurysm and aortic dissection. Last evaluated: 2019-09-06. Review status: criteria provided, single submitter. Criteria: Ambry Variant Classification Scheme 2023. Collection method: clinical testing. Allele origin: germline.

PreventionGenetics, part of Exact Sciences
Classification: Likely benign for NDE1-related condition. Last evaluated: 2024-05-08. Review status: no assertion criteria provided. Collection method: clinical testing. Allele origin: germline. Not counted in ClinVar's aggregate classification.
Comment: This variant is classified as likely benign based on ACMG/AMP sequence variant interpretation guidelines (Richards et al. 2015 PMID: 25741868, with internal and published modifications).